The following is an entry in ClinVar:

NM_006231.4(POLE):c.5626AAG[1] (p.Lys1877del)

Gene: POLE (DNA polymerase epsilon, catalytic subunit; minus strand). Cytogenetic location: 12q24.33.
Variant type: Microsatellite.
Coding change: c.5626AAG[1] on transcript NM_006231.4 (MANE Select); one copy of the 3-base unit AAG starting at c.5626; the reference has two copies in a row; one copy, 3 bases deleted.
Protein change: p.Lys1877del; deletes lysine 1877.
Molecular consequence: inframe deletion.
Genome position (GRCh38, 1-based): chr12:132,638,061-132,638,063, CTT deleted on the plus strand (AAG on the coding strand, the reverse complement: POLE is on the minus strand); deleting any 3 consecutive bases within chr12:132,638,061-132,638,066 gives the same sequence; the position shown is the placement nearest the transcript's 3' end. VCF-style (leftmost placement, unchanged base first): chr12-132638060-GCTT-G. GRCh37 (hg19) VCF-style: chr12-133214646-GCTT-G.
Other names: short protein forms K1877del.
Identifiers: ClinVar variation 1748725 (VCV001748725.2), dbSNP rs2541868465, ClinGen allele CA2580614599.

ClinVar aggregate classification (germline): Uncertain significance (1 of 4 stars; one submission).

Conditions:
Hereditary cancer-predisposing syndrome. Also called: Hereditary Cancer Syndrome; Hereditary neoplastic syndrome; Neoplastic Syndromes, Hereditary; Tumor predisposition. Identifiers: Orphanet 140162, MedGen C0027672, MeSH D009386, MONDO:0015356.

Submission:

Ambry Genetics
Classification: Uncertain significance for Hereditary cancer-predisposing syndrome. Last evaluated: 2019-10-15. Review status: criteria provided, single submitter. Criteria: Ambry Variant Classification Scheme 2023. Collection method: clinical testing. Allele origin: germline.
Comment: The c.5629_5631delAAG variant (also known as p.K1877del) is located in coding exon 41 of the POLE gene. This variant results from an in-frame AAG deletion at nucleotide positions 5629 to 5631. This results in the in-frame deletion of a lysine at codon 1877. This amino acid position is highly conserved in available vertebrate species. In addition, this alteration is predicted to be deleterious by in silico analysis (Choi Y et al. PLoS ONE. 2012; 7(10):e46688). Since supporting evidence is limited at this time, the clinical significance of this alteration remains unclear.